The following is an entry in ClinVar:

NM_199242.3(UNC13D):c.943C>T (p.Gln315Ter)

Gene: UNC13D (unc-13 homolog D; minus strand). Cytogenetic location: 17q25.1.
Variant type: single nucleotide variant.
Coding change: c.943C>T on transcript NM_199242.3 (MANE Select); coding-DNA position 943, C replaced by T.
Protein change: p.Gln315Ter; replaces glutamine 315 with a stop codon.
Molecular consequence: nonsense.
Genome position (GRCh38, 1-based): chr17:75,840,026, G>A on the plus strand (C>T on the coding strand, the complement: UNC13D is on the minus strand). VCF-style: chr17-75840026-G-A. GRCh37 (hg19) VCF-style: chr17-73836107-G-A.
Other names: short protein forms Q315*.
Identifiers: ClinVar variation 2865379 (VCV002865379.3), dbSNP rs2545985023, ClinGen allele CA401107209.

ClinVar aggregate classification (germline): Pathogenic (1 of 4 stars; one submission).

Conditions:
Familial hemophagocytic lymphohistiocytosis 3 (FHL3). Also called: UNC13D-Related Familial Hemophagocytic Lymphohistiocytosis (UNC13D-fHLH). Identifiers: Orphanet 540, MedGen C1837174, MONDO:0012146, OMIM 608898.

Submission:

Labcorp Genetics (formerly Invitae), Labcorp
Classification: Pathogenic for Familial hemophagocytic lymphohistiocytosis 3. Last evaluated: 2024-09-11. Review status: criteria provided, single submitter. Criteria: Invitae Variant Classification Sherloc (09022015). Collection method: clinical testing. Allele origin: germline.
Comment: This sequence change creates a premature translational stop signal (p.Gln315*) in the UNC13D gene. It is expected to result in an absent or disrupted protein product. Loss-of-function variants in UNC13D are known to be pathogenic (PMID: 14622600). This variant is not present in population databases (gnomAD no frequency). This variant has not been reported in the literature in individuals affected with UNC13D-related conditions. Algorithms developed to predict the effect of sequence changes on RNA splicing suggest that this variant may disrupt the consensus splice site. For these reasons, this variant has been classified as Pathogenic.

Literature cited by the submitters: PubMed 14622600.